The following is an entry in ClinVar:

NM_006767.4(LZTR1):c.1580T>C (p.Phe527Ser)

Gene: LZTR1 (leucine zipper like post translational regulator 1; plus strand). Cytogenetic location: 22q11.21.
Variant type: single nucleotide variant.
Coding change: c.1580T>C on transcript NM_006767.4 (MANE Select); coding-DNA position 1580, T replaced by C.
Protein change: p.Phe527Ser; replaces phenylalanine 527 with serine.
Molecular consequence: missense variant.
Genome position (GRCh38, 1-based): chr22:20,994,234, T>C. VCF-style: chr22-20994234-T-C. GRCh37 (hg19) VCF-style: chr22-21348523-T-C.
Other names: short protein forms F527S.
Identifiers: ClinVar variation 1775694 (VCV001775694.5), dbSNP rs761550191, ClinGen allele CA10118947.

ClinVar aggregate classification (germline): Uncertain significance. Review status: criteria provided, multiple submitters, no conflicts (2 of 4 stars). 2 submissions from 2 submitters: Uncertain significance (2). Last evaluated 2025-10-30.

Conditions:
Cardiovascular phenotype. Identifiers: MedGen CN230736.
Hereditary cancer-predisposing syndrome. Also called: Neoplastic Syndromes, Hereditary; Tumor predisposition; Hereditary Cancer Syndrome; Hereditary neoplastic syndrome. Identifiers: Orphanet 140162, MedGen C0027672, MeSH D009386, MONDO:0015356.

Allele frequency attached by ClinVar (database versions not stated): gnomAD exomes below 0.00001; ExAC 0.00001.
gnomAD v4.1: 2 of 1,599,802 alleles (0.00013%); highest among the groups gnomAD compares: South Asian, 0.0022%; no homozygotes.

Submissions (2):

Ambry Genetics
Classification: Uncertain significance for Cardiovascular phenotype; Hereditary cancer-predisposing syndrome. Last evaluated: 2025-10-30. Review status: criteria provided, single submitter. Criteria: Ambry Variant Classification Scheme 2023. Collection method: clinical testing. Allele origin: germline.
Comment: The p.F527S variant (also known as c.1580T>C), located in coding exon 14 of the LZTR1 gene, results from a T to C substitution at nucleotide position 1580. The phenylalanine at codon 527 is replaced by serine, an amino acid with highly dissimilar properties. This amino acid position is highly conserved in available vertebrate species. In addition, this alteration is predicted to be deleterious by in silico analysis. Based on the available evidence, the clinical significance of this variant remains unclear.

Labcorp Genetics (formerly Invitae), Labcorp
Classification: Uncertain significance. Last evaluated: 2025-08-21. Review status: criteria provided, single submitter. Criteria: Invitae Variant Classification Sherloc (09022015). Collection method: clinical testing. Allele origin: germline.
Comment: This sequence change replaces phenylalanine, which is neutral and non-polar, with serine, which is neutral and polar, at codon 527 of the LZTR1 protein (p.Phe527Ser). This variant is present in population databases (rs761550191, gnomAD 0.007%). This variant has not been reported in the literature in individuals affected with LZTR1-related conditions. ClinVar contains an entry for this variant (Variation ID: 1775694). Invitae Evidence Modeling of protein sequence and biophysical properties (such as structural, functional, and spatial information, amino acid conservation, physicochemical variation, residue mobility, and thermodynamic stability) indicates that this missense variant is not expected to disrupt LZTR1 protein function with a negative predictive value of 80%. In summary, the available evidence is currently insufficient to determine the role of this variant in disease. Therefore, it has been classified as a Variant of Uncertain Significance.